The following is an entry in ClinVar:

NM_002860.4(ALDH18A1):c.16T>C (p.Tyr6His)

Gene: ALDH18A1 (aldehyde dehydrogenase 18 family member A1; minus strand). Cytogenetic location: 10q24.1.
Variant type: single nucleotide variant.
Coding change: c.16T>C on transcript NM_002860.4 (MANE Select); coding-DNA position 16, T replaced by C.
Protein change: p.Tyr6His; replaces tyrosine 6 with histidine.
Molecular consequence: missense variant. On other transcripts: 5 prime UTR variant (4).
Genome position (GRCh38, 1-based): chr10:95,653,362, A>G on the plus strand (T>C on the coding strand, the complement: ALDH18A1 is on the minus strand). VCF-style: chr10-95653362-A-G. GRCh37 (hg19) VCF-style: chr10-97413119-A-G.
Other names: c.16T>C, p.Tyr6His (NM_001017423.2, NM_001323413.2, NM_001323414.2 and 2 more transcripts); c.-103T>C (NM_001323412.2, NM_001323416.2, NM_001323418.2); c.-151T>C (NM_001323419.2); short protein forms Y6H.
Identifiers: ClinVar variation 3759950 (VCV003759950.2).

ClinVar aggregate classification (germline): Uncertain significance (1 of 4 stars; one submission).

Conditions:
Cutis laxa, autosomal dominant 3 (ADCL3). Identifiers: Orphanet 90348, MedGen C4225268, MONDO:0014706, OMIM 616603.
Autosomal dominant spastic paraplegia type 9. Identifiers: MedGen C1832669, MONDO:0015091.
de Barsy syndrome. Also called: Cutis laxa-corneal clouding-oligophrenia syndrome. Identifiers: Orphanet 2962, MedGen C0268354, MONDO:0017569.

Submission:

Labcorp Genetics (formerly Invitae), Labcorp
Classification: Uncertain significance for Autosomal dominant spastic paraplegia type 9; de Barsy syndrome; Cutis laxa, autosomal dominant 3. Last evaluated: 2024-12-03. Review status: criteria provided, single submitter. Criteria: Invitae Variant Classification Sherloc (09022015). Collection method: clinical testing. Allele origin: germline.
Comment: This sequence change replaces tyrosine, which is neutral and polar, with histidine, which is basic and polar, at codon 6 of the ALDH18A1 protein (p.Tyr6His). This variant is not present in population databases (gnomAD no frequency). This variant has not been reported in the literature in individuals affected with ALDH18A1-related conditions. An algorithm developed to predict the effect of missense changes on protein structure and function outputs the following: PolyPhen-2: "Benign". The histidine amino acid residue is found in multiple mammalian species, which suggests that this missense change does not adversely affect protein function. In summary, the available evidence is currently insufficient to determine the role of this variant in disease. Therefore, it has been classified as a Variant of Uncertain Significance.